The following is an entry in ClinVar:

NM_145059.3(FCSK):c.2930-10C>G

Genes: FCSK (fucose kinase; plus strand), LOC125177345 (Sharpr-MPRA regulatory region 8991; plus strand). Cytogenetic location: 16q22.1.
Variant type: single nucleotide variant.
Coding change: c.2930-10C>G on transcript NM_145059.3 (MANE Select); 10 bases into the intron before coding-DNA position 2930, C replaced by G.
Molecular consequence: intron variant.
Genome position (GRCh38, 1-based): chr16:70,479,170, C>G. VCF-style: chr16-70479170-C-G. GRCh37 (hg19) VCF-style: chr16-70513073-C-G.
Identifiers: ClinVar variation 3663451 (VCV003663451.2).

ClinVar aggregate classification (germline): Uncertain significance (1 of 4 stars; one submission).

Submission:

Labcorp Genetics (formerly Invitae), Labcorp
Classification: Uncertain significance. Last evaluated: 2024-08-27. Review status: criteria provided, single submitter. Criteria: Invitae Variant Classification Sherloc (09022015). Collection method: clinical testing. Allele origin: germline.
Comment: This sequence change falls in intron 22 of the FUK gene. It does not directly change the encoded amino acid sequence of the FUK protein. This variant is not present in population databases (gnomAD no frequency). This variant has not been reported in the literature in individuals affected with FUK-related conditions. Algorithms developed to predict the effect of sequence changes on RNA splicing suggest that this variant may disrupt the consensus splice site. In summary, the available evidence is currently insufficient to determine the role of this variant in disease. Therefore, it has been classified as a Variant of Uncertain Significance.